The following is an entry in ClinVar:

ClinVar aggregate classification (germline): Pathogenic (1 of 4 stars; one submission).

Submission:

Labcorp Genetics (formerly Invitae), Labcorp
Classification: Pathogenic. Last evaluated: 2024-11-16. Review status: criteria provided, single submitter. Criteria: Invitae Variant Classification Sherloc (09022015). Collection method: clinical testing. Allele origin: germline.
Comment: This sequence change creates a premature translational stop signal (p.Ser280Phefs*17) in the UBA5 gene. It is expected to result in an absent or disrupted protein product. Loss-of-function variants in UBA5 are known to be pathogenic (PMID: 27545674, 27545681). This variant is not present in population databases (gnomAD no frequency). This variant has not been reported in the literature in individuals affected with UBA5-related conditions. ClinVar contains an entry for this variant (Variation ID: 1385068). For these reasons, this variant has been classified as Pathogenic.

Literature cited by the submitters: PubMed 27545674; PubMed 27545681.

NM_024818.6(UBA5):c.838_841del (p.Ser280fs)

Genes: NPHP3-ACAD11 (NPHP3-ACAD11 readthrough (NMD candidate); minus strand), UBA5 (ubiquitin like modifier activating enzyme 5; plus strand). Cytogenetic location: 3q22.1.
Variant type: Deletion.
Coding change: c.838_841del on transcript NM_024818.6 (MANE Select); coding-DNA positions 838 to 841, 4 bases deleted (AGTT; older notation c.838_841delAGTT).
Protein change: p.Ser280fs; shifts the reading frame from serine 280.
Molecular consequence: frameshift variant.
Genome position (GRCh38, 1-based): chr3:132,675,273-132,675,276, AGTT deleted; deleting any 4 consecutive bases within chr3:132,675,270-132,675,276 gives the same sequence; the c. name uses the placement nearest the transcript's 3' end. VCF-style (leftmost placement, unchanged base first): chr3-132675269-TGTTA-T. GRCh37 (hg19) VCF-style: chr3-132394113-TGTTA-T.
Other names: c.670_673del, p.Ser224fs (NM_001320210.2, NM_198329.4); c.568_571del, p.Ser190fs (NM_001321238.2); c.502_505del, p.Ser168fs (NM_001321239.1); short protein forms S224fs, S280fs, S190fs, S168fs.
Identifiers: ClinVar variation 1385068 (VCV001385068.6), dbSNP rs2107950178, ClinGen allele CA2573130202.